The following is an entry in ClinVar:

NM_000090.4(COL3A1):c.3746T>C (p.Ile1249Thr)

Gene: COL3A1 (collagen type III alpha 1 chain; plus strand). Cytogenetic location: 2q32.2.
Variant type: single nucleotide variant.
Coding change: c.3746T>C on transcript NM_000090.4 (MANE Select); coding-DNA position 3746, T replaced by C.
Protein change: p.Ile1249Thr; replaces isoleucine 1249 with threonine.
Molecular consequence: missense variant.
Genome position (GRCh38, 1-based): chr2:189,009,144, T>C. VCF-style: chr2-189009144-T-C. GRCh37 (hg19) VCF-style: chr2-189873870-T-C.
Other names: short protein forms I1249T.
Identifiers: ClinVar variation 2749302 (VCV002749302.4), dbSNP rs1266441137, ClinGen allele CA349847488.

ClinVar aggregate classification (germline): Uncertain significance. Review status: criteria provided, multiple submitters, no conflicts (2 of 4 stars). 2 submissions from 2 submitters: Uncertain significance (2). Last evaluated 2024-03-06.

Conditions:
Ehlers-Danlos syndrome, type 4 (EDSVASC). Also called: Ehlers-Danlos Syndrome Type IV; Ehlers-Danlos syndrome vascular type; Ehlers Danlos syndrome, ecchymotic type; Ehlers Danlos syndrome, arterial type; Ehlers Danlos syndrome, Sack-Barabas type. Identifiers: Orphanet 286, MedGen C0268338, MONDO:0017314, OMIM 130050.
Familial thoracic aortic aneurysm and aortic dissection (TAAD). Also called: Thoracic aortic aneurysms and dissections. Identifiers: Orphanet 91387, MedGen C4707243, MONDO:0019625.

Allele frequency attached by ClinVar (database versions not stated): gnomAD exomes below 0.00001.
gnomAD v4.1: 1 of 1,614,222 alleles (0.000062%); highest among the groups gnomAD compares: Admixed American, 0.0017%; no homozygotes.

Submissions (2):

Color Diagnostics, LLC DBA Color Health
Classification: Uncertain significance for Familial thoracic aortic aneurysm and aortic dissection. Last evaluated: 2024-03-06. Review status: criteria provided, single submitter. Criteria: ACMG Guidelines, 2015. Collection method: clinical testing. Allele origin: germline.
Comment: This missense variant replaces isoleucine with threonine at codon 1249 of the COL3A1 protein. Computational prediction suggests that this variant may not impact protein structure and function (internally defined REVEL score threshold <= 0.5, PMID: 27666373). To our knowledge, functional studies have not been reported for this variant. This variant has not been reported in individuals affected with cardiovascular disorders in the literature. This variant has been identified in 1/251316 chromosomes in the general population by the Genome Aggregation Database (gnomAD). The available evidence is insufficient to determine the role of this variant in disease conclusively. Therefore, this variant is classified as a Variant of Uncertain Significance.

Labcorp Genetics (formerly Invitae), Labcorp
Classification: Uncertain significance for Ehlers-Danlos syndrome, type 4. Last evaluated: 2023-08-02. Review status: criteria provided, single submitter. Criteria: Invitae Variant Classification Sherloc (09022015). Collection method: clinical testing. Allele origin: germline.
Comment: This variant is present in population databases (no rsID available, gnomAD 0.003%). In summary, the available evidence is currently insufficient to determine the role of this variant in disease. Therefore, it has been classified as a Variant of Uncertain Significance. Advanced modeling of protein sequence and biophysical properties (such as structural, functional, and spatial information, amino acid conservation, physicochemical variation, residue mobility, and thermodynamic stability) performed at Invitae indicates that this missense variant is not expected to disrupt COL3A1 protein function. This variant has not been reported in the literature in individuals affected with COL3A1-related conditions. This sequence change replaces isoleucine, which is neutral and non-polar, with threonine, which is neutral and polar, at codon 1249 of the COL3A1 protein (p.Ile1249Thr).